The following is an entry in ClinVar:

NM_001264.5(CDSN):c.1498C>T (p.Arg500Trp)

Genes: CDSN (corneodesmosin; minus strand), PSORS1C1 (psoriasis susceptibility 1 candidate 1; plus strand). Cytogenetic location: 6p21.33.
Variant type: single nucleotide variant.
Coding change: c.1498C>T on transcript NM_001264.5 (MANE Select); coding-DNA position 1498, C replaced by T.
Protein change: p.Arg500Trp; replaces arginine 500 with tryptophan.
Molecular consequence: missense variant. On other transcripts: intron variant (1).
Genome position (GRCh38, 1-based): chr6:31,116,117, G>A on the plus strand (C>T on the coding strand, the complement: CDSN is on the minus strand). VCF-style: chr6-31116117-G-A. GRCh37 (hg19) VCF-style: chr6-31083894-G-A.
Other names: c.-229+1226G>A (NM_014068.3); short protein forms R500W.
Identifiers: ClinVar variation 1978884 (VCV001978884.4), dbSNP rs138408228, ClinGen allele CA3708302.
Genomic context (GRCh38, chr6:31,116,117, plus strand): 5'-GGAAAACTTCAGGGTCAGCTAGCTGGGGCCCCAGAGGCTTCACTTGGGCTAGGATATCCC[G>A]GATGGAGCGGCAGGGGATCTTTCCAGCACTGCTGGAGCCACAGGGCTTGGCACCAGCGGA-3'
Protein context (NP_001255.4, residues 490-510): SAGKIPCRSI[Arg500Trp]DILAQVKPLG

ClinVar aggregate classification (germline): Uncertain significance (1 of 4 stars; one submission).

Allele frequency attached by ClinVar (database versions not stated): TOPMed below 0.00001; gnomAD 0.00001.
gnomAD v4.1: 13 of 1,610,904 alleles (0.00081%); highest among the groups gnomAD compares: Middle Eastern, 0.017%; no homozygotes.

Submission:

Labcorp Genetics (formerly Invitae), Labcorp
Classification: Uncertain significance. Last evaluated: 2025-10-02. Review status: criteria provided, single submitter. Criteria: Invitae Variant Classification Sherloc (09022015). Collection method: clinical testing. Allele origin: germline.
Comment: This sequence change replaces arginine, which is basic and polar, with tryptophan, which is neutral and slightly polar, at codon 500 of the CDSN protein (p.Arg500Trp). This variant is present in population databases (rs138408228, gnomAD 0.007%). This variant has not been reported in the literature in individuals affected with CDSN-related conditions. ClinVar contains an entry for this variant (Variation ID: 1978884). Invitae Evidence Modeling of protein sequence and biophysical properties (such as structural, functional, and spatial information, amino acid conservation, physicochemical variation, residue mobility, and thermodynamic stability) has been performed for this missense variant. However, the output from this modeling did not meet the statistical confidence thresholds required to predict the impact of this variant on CDSN protein function. In summary, the available evidence is currently insufficient to determine the role of this variant in disease. Therefore, it has been classified as a Variant of Uncertain Significance.